The following is an entry in ClinVar:

ClinVar aggregate classification (germline): Uncertain significance (1 of 4 stars; one submission).

Submission:

Ambry Genetics
Classification: Uncertain significance. Last evaluated: 2024-06-08. Review status: criteria provided, single submitter. Criteria: Ambry Variant Classification Scheme 2023. Collection method: clinical testing. Allele origin: germline.
Comment: The p.K84Q variant (also known as c.250A>C), located in coding exon 1 of the MNDA gene, results from an A to C substitution at nucleotide position 250. The lysine at codon 84 is replaced by glutamine, an amino acid with similar properties. This amino acid position is conserved. In addition, this alteration is predicted to be tolerated by in silico analysis. Based on the available evidence, the clinical significance of this variant remains unclear.

NM_002432.3(MNDA):c.250A>C (p.Lys84Gln)

Gene: MNDA (myeloid cell nuclear differentiation antigen; plus strand). Cytogenetic location: 1q23.1.
Variant type: single nucleotide variant.
Coding change: c.250A>C on transcript NM_002432.3 (MANE Select); coding-DNA position 250, A replaced by C.
Protein change: p.Lys84Gln; replaces lysine 84 with glutamine.
Molecular consequence: missense variant.
Genome position (GRCh38, 1-based): chr1:158,842,403, A>C. VCF-style: chr1-158842403-A-C. GRCh37 (hg19) VCF-style: chr1-158812193-A-C.
Other names: short protein forms K84Q.
Identifiers: ClinVar variation 3295456 (VCV003295456.1).